The following is an entry in ClinVar:

ClinVar aggregate classification (germline): Uncertain significance (1 of 4 stars; one submission).

Allele frequency attached by ClinVar (database versions not stated): gnomAD 0.00001.
gnomAD v4.1: 12 of 1,613,642 alleles (0.00074%); highest among the groups gnomAD compares: Non-Finnish European, 0.00051%; no homozygotes.

Submission:

GeneDx
Classification: Uncertain significance. Last evaluated: 2021-06-29. Review status: criteria provided, single submitter. Criteria: GeneDx Variant Classification Process June 2021. Collection method: clinical testing. Allele origin: germline. Affected: yes.
Comment: In silico analysis supports that this missense variant does not alter protein structure/function; Has not been previously published as pathogenic or benign to our knowledge; This variant is associated with the following publications: (PMID: 27535533)

NM_000124.4(ERCC6):c.3314A>G (p.Asp1105Gly)

Gene: ERCC6 (ERCC excision repair 6, chromatin remodeling factor; minus strand). Cytogenetic location: 10q11.23.
Variant type: single nucleotide variant.
Coding change: c.3314A>G on transcript NM_000124.4 (MANE Select); coding-DNA position 3314, A replaced by G.
Protein change: p.Asp1105Gly; replaces aspartic acid 1105 with glycine.
Molecular consequence: missense variant.
Genome position (GRCh38, 1-based): chr10:49,470,646, T>C on the plus strand (A>G on the coding strand, the complement: ERCC6 is on the minus strand). VCF-style: chr10-49470646-T-C. GRCh37 (hg19) VCF-style: chr10-50678692-T-C.
Other names: c.3314A>G, p.Asp1105Gly (NM_001346440.2); short protein forms D1105G.
Identifiers: ClinVar variation 1331292 (VCV001331292.2), dbSNP rs757873730, ClinGen allele CA5495369.